The following is an entry in ClinVar:

ClinVar aggregate classification (germline): Benign/Likely benign. Review status: criteria provided, multiple submitters, no conflicts (2 of 4 stars). 7 submissions from 7 submitters: Benign (4); Likely benign (1). 2 of the submissions do not count toward it. Last evaluated 2026-02-02.

Allele frequency attached by ClinVar (database versions not stated): gnomAD exomes 0.00037 and 0.00094; ExAC 0.00109; gnomAD 0.00358 and 0.00373; ESP Exome Variant Server 0.00392; TOPMed 0.00408; 1000 Genomes Project 30x 0.00422; 1000 Genomes Project 0.00439.
gnomAD v4.1: 1,151 of 1,613,690 alleles (0.071%); highest among the groups gnomAD compares: African/African-American, 1.2%; 9 homozygotes.

Submissions (7):

Labcorp Genetics (formerly Invitae), Labcorp
Classification: Benign. Last evaluated: 2026-02-02. Review status: criteria provided, single submitter. Criteria: Invitae Variant Classification Sherloc (09022015). Collection method: clinical testing. Allele origin: germline.

Athena Diagnostics
Classification: Benign. Last evaluated: 2025-01-07. Review status: criteria provided, single submitter. Criteria: Athena Diagnostics Criteria. Collection method: clinical testing. Allele origin: unknown.
Comment: The frequency of this variant in the general population is higher than would generally be expected for pathogenic variants in this gene.

Blueprint Genetics
Classification: Likely benign. Last evaluated: 2024-10-10. Review status: criteria provided, single submitter. Criteria: ACMG Guidelines, 2015. Collection method: clinical testing. Allele origin: germline.

GeneDx
Classification: Benign. Last evaluated: 2019-07-18. Review status: criteria provided, single submitter. Criteria: GeneDx Variant Classification Process June 2021. Collection method: clinical testing. Allele origin: germline. Affected: yes.

Laboratory for Molecular Medicine, Mass General Brigham Personalized Medicine
Classification: Benign. Last evaluated: 2012-04-30. Review status: criteria provided, single submitter. Criteria: LMM Criteria. Collection method: clinical testing. Allele origin: germline. Observed: 4 variant alleles.
Comment: Tyr1622His in Exon 22 of GPR98: This variant is not expected to have clinical si gnificance because it has been identified in 1.2% (38/3086) of African American chromosomes from a broad population by the NHLBI Exome Sequencing Project (dbSNP rs111753827).

Clinical Genetics DNA and cytogenetics Diagnostics Lab, Erasmus MC, Erasmus Medical Center
Classification: Likely benign. Review status: no assertion criteria provided. Collection method: clinical testing. Allele origin: germline. Affected: yes. Study: VKGL Data-share Consensus. Not counted in ClinVar's aggregate classification.

Genome Diagnostics Laboratory, University Medical Center Utrecht
Classification: Likely benign. Review status: no assertion criteria provided. Collection method: clinical testing. Allele origin: germline. Affected: yes. Study: VKGL Data-share Consensus. Not counted in ClinVar's aggregate classification.

Literature cited by the submitters: PubMed 27898983 (cited by Athena Diagnostics); PubMed 22334370 (cited by Athena Diagnostics).

NM_032119.4(ADGRV1):c.4864T>C (p.Tyr1622His)

Gene: ADGRV1 (adhesion G protein-coupled receptor V1; plus strand). Cytogenetic location: 5q14.3.
Variant type: single nucleotide variant.
Coding change: c.4864T>C on transcript NM_032119.4 (MANE Select); coding-DNA position 4864, T replaced by C.
Protein change: p.Tyr1622His; replaces tyrosine 1622 with histidine.
Molecular consequence: missense variant. On other transcripts: non-coding transcript variant (1).
Genome position (GRCh38, 1-based): chr5:90,672,657, T>C. VCF-style: chr5-90672657-T-C. GRCh37 (hg19) VCF-style: chr5-89968474-T-C.
Other names: short protein forms Y1622H.
Identifiers: ClinVar variation 226648 (VCV000226648.20), dbSNP rs111753827, ClinGen allele CA3339423.